The following is an entry in ClinVar:

ClinVar aggregate classification (germline): Uncertain significance (1 of 4 stars; one submission).

Conditions:
Dyskeratosis congenita, autosomal dominant 1 (DKCA1). Also called: Dyskeratosis congenita Scoggins type. Identifiers: Orphanet 1775, MedGen C4551974, MONDO:0007485, OMIM 127550. Inheritance: Variable.

Allele frequency attached by ClinVar (database versions not stated): gnomAD exomes below 0.00001.
gnomAD v4.1: 3 of 752,180 alleles (0.0004%); highest among the groups gnomAD compares: East Asian, 0.0025%; no homozygotes.

Submission:

Labcorp Genetics (formerly Invitae), Labcorp
Classification: Uncertain significance for Dyskeratosis congenita, autosomal dominant 1. Last evaluated: 2022-04-21. Review status: criteria provided, single submitter. Criteria: Invitae Variant Classification Sherloc (09022015). Collection method: clinical testing. Allele origin: germline.
Comment: In summary, the available evidence is currently insufficient to determine the role of this variant in disease. Therefore, it has been classified as a Variant of Uncertain Significance. This variant is located within the conserved regions 4 and 5 (CR4-CR5) domain of the TERC RNA component, which is required for telomerase activity (PMID: 15082312, 21844345). ClinVar contains an entry for this variant (Variation ID: 1063219). This variant has not been reported in the literature in individuals affected with TERC-related conditions. This variant is not present in population databases (gnomAD no frequency). This variant occurs in the TERC gene, which encodes an RNA molecule that does not result in a protein product.

Literature cited by the submitters: PubMed 15082312; PubMed 21844345.

NC_000003.12:g.169764744G>A

Genes: TERC (telomerase RNA component; minus strand), LOC110806306 (telomerase RNA component (TERC) promoter; plus strand). Cytogenetic location: 3q26.2.
Variant type: single nucleotide variant.
Genome position: GRCh38 VCF-style: chr3-169764744-G-A. GRCh37 (hg19) VCF-style: chr3-169482532-G-A.
Identifiers: ClinVar variation 1063219 (VCV001063219.9), dbSNP rs2108182912, ClinGen allele CA436715064.